The following is an entry in ClinVar:

ClinVar aggregate classification (germline): Pathogenic/Likely pathogenic. Review status: criteria provided, multiple submitters, no conflicts (2 of 4 stars). 6 submissions from 6 submitters: Pathogenic (4); Likely pathogenic (2). Last evaluated 2026-01-26.

Conditions:
Familial cancer of breast. Also called: hereditary breast carcinoma; BREAST CANCER, FAMILIAL; Hereditary breast cancer. Identifiers: Orphanet 227535, MedGen C0346153, MONDO:0016419, OMIM 114480. Disease mechanism: loss of function.
Hereditary cancer-predisposing syndrome. Also called: Tumor predisposition; Neoplastic Syndromes, Hereditary; Hereditary neoplastic syndrome; Hereditary Cancer Syndrome. Identifiers: Orphanet 140162, MedGen C0027672, MeSH D009386, MONDO:0015356.

Submissions (6):

Labcorp Genetics (formerly Invitae), Labcorp
Classification: Pathogenic for Familial cancer of breast. Last evaluated: 2026-01-26. Review status: criteria provided, single submitter. Criteria: Invitae Variant Classification Sherloc (09022015). Collection method: clinical testing. Allele origin: germline.
Comment: This sequence change creates a premature translational stop signal (p.Phe427Serfs*3) in the CHEK2 gene. It is expected to result in an absent or disrupted protein product. Loss-of-function variants in CHEK2 are known to be pathogenic (PMID: 21876083, 24713400). This variant is not present in population databases (gnomAD no frequency). This variant has not been reported in the literature in individuals affected with CHEK2-related conditions. ClinVar contains an entry for this variant (Variation ID: 633175). For these reasons, this variant has been classified as Pathogenic.

Ambry Genetics
Classification: Pathogenic for Hereditary cancer-predisposing syndrome. Last evaluated: 2025-03-06. Review status: criteria provided, single submitter. Criteria: Ambry Variant Classification Scheme 2023. Collection method: clinical testing. Allele origin: germline.
Comment: The c.1279_1280insC pathogenic mutation, located in coding exon 11 of the CHEK2 gene, results from an insertion of one nucleotide at position 1279, causing a translational frameshift with a predicted alternate stop codon (p.F427Sfs*3). This variant is considered to be rare based on population cohorts in the Genome Aggregation Database (gnomAD). This alteration is expected to result in loss of function by premature protein truncation or nonsense-mediated mRNA decay. As such, this alteration is interpreted as a disease-causing mutation.

Color Diagnostics, LLC DBA Color Health
Classification: Pathogenic for Hereditary cancer-predisposing syndrome. Last evaluated: 2024-10-16. Review status: criteria provided, single submitter. Criteria: ACMG Guidelines, 2015. Collection method: clinical testing. Allele origin: germline.
Comment: This variant inserts 1 nucleotide in exon 12 of the CHEK2 gene, creating a frameshift and premature translation stop signal. This variant is expected to result in an absent or non-functional protein product. To our knowledge, this variant has not been reported in individuals affected with hereditary cancer in the literature. This variant has not been identified in the general population by the Genome Aggregation Database (gnomAD). Loss of CHEK2 function is a known mechanism of disease. Based on the available evidence, this variant is classified as Pathogenic.

Myriad Genetics, Inc.
Classification: Pathogenic for Familial cancer of breast. Last evaluated: 2023-06-28. Review status: criteria provided, single submitter. Criteria: Myriad Autosomal Dominant, Autosomal Recessive and X-Linked Classification Criteria (2023). Collection method: clinical testing. Allele origin: unknown.
Comment: This variant is considered pathogenic. This variant creates a frameshift predicted to result in premature protein truncation.

Baylor Genetics
Classification: Likely pathogenic for Familial cancer of breast. Last evaluated: 2022-11-17. Review status: criteria provided, single submitter. Criteria: ACMG Guidelines, 2015. Collection method: clinical testing. Allele origin: unknown.

Women's Health and Genetics/Laboratory Corporation of America, LabCorp
Classification: Likely pathogenic for Familial cancer of breast. Last evaluated: 2018-08-31. Review status: criteria provided, single submitter. Criteria: LabCorp Variant Classification Summary - May 2015. Collection method: clinical testing. Allele origin: germline.
Comment: Variant summary: CHEK2 c.1279_1280insC (p.Phe427SerfsX3) results in a premature termination codon, predicted to cause a truncation of the encoded protein or absence of the protein due to nonsense mediated decay, which are commonly known mechanisms for disease. Truncations downstream of this position have been classified as pathogenic by our laboratory (eg. p.Glu457fsX33, p.Arg519X). The variant was absent in 118108 control chromosomes. To our knowledge, no occurrence of c.1279_1280insC in individuals affected with Hereditary Breast and Ovarian Cancer and no experimental evidence demonstrating its impact on protein function have been reported. No clinical diagnostic laboratories have submitted clinical-significance assessments for this variant to ClinVar after 2014. Based on the evidence outlined above, the variant was classified as likely pathogenic.

Literature cited by the submitters: PubMed 21876083 (cited by Labcorp Genetics (formerly Invitae), Labcorp); PubMed 24713400 (cited by Labcorp Genetics (formerly Invitae), Labcorp).

NM_007194.4(CHEK2):c.1279_1280insC (p.Phe427fs)

Gene: CHEK2 (checkpoint kinase 2; minus strand). Cytogenetic location: 22q12.1.
Variant type: Insertion.
Coding change: c.1279_1280insC on transcript NM_007194.4 (MANE Select); coding-DNA positions 1279 to 1280, C inserted.
Protein change: p.Phe427fs; shifts the reading frame from phenylalanine 427.
Molecular consequence: frameshift variant.
Genome position: GRCh38 VCF-style: chr22-28695222-A-AG. GRCh37 (hg19) VCF-style: chr22-29091210-A-AG.
Other names: c.1408_1409insC, p.Phe470Serfs (NM_001005735.3); c.616_617insC, p.Phe206Serfs (NM_001257387.3); c.1078_1079insC, p.Phe360Serfs (NM_001349956.3); c.1192_1193insC, p.Phe398Serfs (NM_145862.3); short protein forms F206fs, F427fs, F398fs, F470fs, F360fs.
Identifiers: ClinVar variation 633175 (VCV000633175.11), dbSNP rs1569112324, ClinGen allele CA913190840.